The following is an entry in ClinVar:

ClinVar aggregate classification (germline): Pathogenic (1 of 4 stars; one submission).

Submission:

Labcorp Genetics (formerly Invitae), Labcorp
Classification: Pathogenic. Last evaluated: 2023-01-16. Review status: criteria provided, single submitter. Criteria: Invitae Variant Classification Sherloc (09022015). Collection method: clinical testing. Allele origin: germline.
Comment: This sequence change creates a premature translational stop signal (p.His337Profs*39) in the ITGB4 gene. It is expected to result in an absent or disrupted protein product. Loss-of-function variants in ITGB4 are known to be pathogenic (PMID: 11328943, 16473856). This variant is not present in population databases (gnomAD no frequency). This variant has not been reported in the literature in individuals affected with ITGB4-related conditions. Algorithms developed to predict the effect of sequence changes on RNA splicing suggest that this variant may disrupt the consensus splice site. For these reasons, this variant has been classified as Pathogenic.

Literature cited by the submitters: PubMed 11328943; PubMed 16473856.

NM_000213.5(ITGB4):c.1010del (p.His337fs)

Gene: ITGB4 (integrin subunit beta 4; plus strand). Cytogenetic location: 17q25.1.
Variant type: Deletion.
Coding change: c.1010del on transcript NM_000213.5 (MANE Select); coding-DNA position 1010, one base deleted (A; older notation c.1010delA).
Protein change: p.His337fs; shifts the reading frame from histidine 337.
Molecular consequence: frameshift variant.
Genome position (GRCh38, 1-based): chr17:75,730,882, A deleted. VCF-style (leftmost placement, unchanged base first): chr17-75730881-CA-C. GRCh37 (hg19) VCF-style: chr17-73726962-CA-C.
Other names: c.1010delA, p.His337Profs (NM_001005619.2); c.1010del, p.His337fs (NM_001005731.3, NM_001321123.2); short protein forms H337fs.
Identifiers: ClinVar variation 2829070 (VCV002829070.3), dbSNP rs2545741027, ClinGen allele CA2739268390.